The following is an entry in ClinVar:

ClinVar aggregate classification (germline): Pathogenic/Likely pathogenic. Review status: criteria provided, multiple submitters, no conflicts (2 of 4 stars). 2 submissions from 2 submitters: Pathogenic (1); Likely pathogenic (1). Last evaluated 2024-03-25.

Conditions:
Bardet-Biedl syndrome (BBS). Identifiers: Orphanet 110, MedGen C0752166, MONDO:0015229.
Bardet-Biedl syndrome 4 (BBS4). Identifiers: Orphanet 110, MedGen C2936864, MONDO:0014433, OMIM 615982.

Allele frequency attached by ClinVar (database versions not stated): gnomAD exomes below 0.00001.
gnomAD v4.1: 1 of 1,613,786 alleles (0.000062%); no homozygotes.

Submissions (2):

Baylor Genetics
Classification: Likely pathogenic for Bardet-Biedl syndrome 4. Last evaluated: 2024-03-25. Review status: criteria provided, single submitter. Criteria: ACMG Guidelines, 2015. Collection method: clinical testing. Allele origin: unknown.

Labcorp Genetics (formerly Invitae), Labcorp
Classification: Pathogenic for Bardet-Biedl syndrome. Last evaluated: 2022-11-29. Review status: criteria provided, single submitter. Criteria: Invitae Variant Classification Sherloc (09022015). Collection method: clinical testing. Allele origin: germline.
Comment: For these reasons, this variant has been classified as Pathogenic. Algorithms developed to predict the effect of sequence changes on RNA splicing suggest that this variant may disrupt the consensus splice site. This variant has not been reported in the literature in individuals affected with BBS4-related conditions. This variant is not present in population databases (gnomAD no frequency). This sequence change creates a premature translational stop signal (p.Glu136*) in the BBS4 gene. It is expected to result in an absent or disrupted protein product. Loss-of-function variants in BBS4 are known to be pathogenic (PMID: 11381270, 12016587, 20177705, 27894351).

Literature cited by the submitters: PubMed 11381270 (cited by Labcorp Genetics (formerly Invitae), Labcorp); PubMed 12016587 (cited by Labcorp Genetics (formerly Invitae), Labcorp); PubMed 20177705 (cited by Labcorp Genetics (formerly Invitae), Labcorp); PubMed 27894351 (cited by Labcorp Genetics (formerly Invitae), Labcorp).

NM_033028.5(BBS4):c.406G>T (p.Glu136Ter)

Gene: BBS4 (Bardet-Biedl syndrome 4; plus strand). Cytogenetic location: 15q24.1.
Variant type: single nucleotide variant.
Coding change: c.406G>T on transcript NM_033028.5 (MANE Select); coding-DNA position 406, G replaced by T.
Protein change: p.Glu136Ter; replaces glutamic acid 136 with a stop codon.
Molecular consequence: nonsense. On other transcripts: non-coding transcript variant (2), 5 prime UTR variant (1).
Genome position (GRCh38, 1-based): chr15:72,722,794, G>T. VCF-style: chr15-72722794-G-T. GRCh37 (hg19) VCF-style: chr15-73015135-G-T.
Other names: c.-111G>T (NM_001252678.2); c.406G>T, p.Glu136Ter (NM_001320665.2); short protein forms E136*.
Identifiers: ClinVar variation 2680035 (VCV002680035.5), dbSNP rs2542969236, ClinGen allele CA393075607.